The following is an entry in ClinVar:

NM_138694.4(PKHD1):c.6260C>T (p.Ala2087Val)

Gene: PKHD1 (PKHD1 ciliary IPT domain containing fibrocystin/polyductin; minus strand). Cytogenetic location: 6p12.2.
Variant type: single nucleotide variant.
Coding change: c.6260C>T on transcript NM_138694.4 (MANE Select); coding-DNA position 6260, C replaced by T.
Protein change: p.Ala2087Val; replaces alanine 2087 with valine.
Molecular consequence: missense variant.
Genome position (GRCh38, 1-based): chr6:51,912,438, G>A on the plus strand (C>T on the coding strand, the complement: PKHD1 is on the minus strand). VCF-style: chr6-51912438-G-A. GRCh37 (hg19) VCF-style: chr6-51777236-G-A.
Other names: c.6260C>T, p.Ala2087Val (NM_170724.3); short protein forms A2087V.
Identifiers: ClinVar variation 4993369 (VCV004993369.1).

ClinVar aggregate classification (germline): Uncertain significance (1 of 4 stars; one submission).

Conditions:
PKHD1-related disorder. Also called: PKHD1-related condition.

Submission:

PreventionGenetics, part of Exact Sciences
Classification: Uncertain significance for PKHD1-related condition. Last evaluated: 2026-05-22. Review status: criteria provided, single submitter. Criteria: ACMG Guidelines, 2015. Collection method: clinical testing. Allele origin: germline.
Comment: The PKHD1 c.6260C>T variant is predicted to result in the amino acid substitution p.Ala2087Val. To our knowledge, this variant has not been reported in the literature or in a large population database (gnomAD), indicating this variant is rare. At this time, the clinical significance of this variant is uncertain due to the absence of conclusive functional and genetic evidence.